The following is an entry in ClinVar:

ClinVar aggregate classification (germline): Uncertain significance. Review status: criteria provided, multiple submitters, no conflicts (2 of 4 stars). 2 submissions from 2 submitters: Uncertain significance (2). Last evaluated 2025-08-14.

Conditions:
Inborn genetic diseases. Identifiers: MedGen C0950123, MeSH D030342.

Allele frequency attached by ClinVar (database versions not stated): TOPMed 0.00002; ExAC 0.00001; gnomAD 0.00003.
gnomAD v4.1: 28 of 1,613,996 alleles (0.0017%); highest among the groups gnomAD compares: East Asian, 0.0022%; no homozygotes.

Submissions (2):

Ambry Genetics
Classification: Uncertain significance for Inborn genetic diseases. Last evaluated: 2025-08-14. Review status: criteria provided, single submitter. Criteria: Ambry Variant Classification Scheme 2023. Collection method: clinical testing. Allele origin: germline.

Labcorp Genetics (formerly Invitae), Labcorp
Classification: Uncertain significance. Last evaluated: 2022-05-17. Review status: criteria provided, single submitter. Criteria: Invitae Variant Classification Sherloc (09022015). Collection method: clinical testing. Allele origin: germline.
Comment: In summary, the available evidence is currently insufficient to determine the role of this variant in disease. Therefore, it has been classified as a Variant of Uncertain Significance. Advanced modeling of protein sequence and biophysical properties (such as structural, functional, and spatial information, amino acid conservation, physicochemical variation, residue mobility, and thermodynamic stability) performed at Invitae indicates that this missense variant is not expected to disrupt ROR2 protein function. This variant has not been reported in the literature in individuals affected with ROR2-related conditions. This variant is present in population databases (rs758358702, gnomAD 0.004%). This sequence change replaces threonine, which is neutral and polar, with methionine, which is neutral and non-polar, at codon 327 of the ROR2 protein (p.Thr327Met).

NM_004560.4(ROR2):c.980C>T (p.Thr327Met)

Gene: ROR2 (receptor tyrosine kinase like orphan receptor 2; minus strand). Cytogenetic location: 9q22.31.
Variant type: single nucleotide variant.
Coding change: c.980C>T on transcript NM_004560.4 (MANE Select); coding-DNA position 980, C replaced by T.
Protein change: p.Thr327Met; replaces threonine 327 with methionine.
Molecular consequence: missense variant.
Genome position (GRCh38, 1-based): chr9:91,731,113, G>A on the plus strand (C>T on the coding strand, the complement: ROR2 is on the minus strand). VCF-style: chr9-91731113-G-A. GRCh37 (hg19) VCF-style: chr9-94493395-G-A.
Other names: c.980C>T (NM_004560.3); c.980C>T, p.Thr327Met (NM_001318204.2); short protein forms T327M.
Identifiers: ClinVar variation 2055188 (VCV002055188.5), dbSNP rs758358702, ClinGen allele CA5120824.